The following is an entry in ClinVar:

NM_007294.4(BRCA1):c.594-2A>C

Gene: BRCA1 (BRCA1 DNA repair associated; minus strand). Cytogenetic location: 17q21.31.
Variant type: single nucleotide variant.
Coding change: c.594-2A>C on transcript NM_007294.4 (MANE Select); the canonical splice acceptor site of the intron before coding-DNA position 594, A replaced by C.
Molecular consequence: splice acceptor variant. On other transcripts: intron variant (115).
Genome position (GRCh38, 1-based): chr17:43,095,924, T>G on the plus strand (A>C on the coding strand, the complement: BRCA1 is on the minus strand). VCF-style: chr17-43095924-T-G. GRCh37 (hg19) VCF-style: chr17-41247941-T-G.
Other names: IVS9-2A>C; c.450-2A>C (NM_001407846.1, NM_001407943.1, NM_001407748.1 and 26 more transcripts); c.453-2A>C (NM_001407726.1, NM_001408466.1, NM_001408452.1 and 43 more transcripts); c.384-2A>C (NM_001408513.1, NM_001408507.1, NM_001408489.1 and 27 more transcripts); c.404-1064A>C (NM_001408503.1, NM_001407934.1, NM_001408505.1 and 5 more transcripts); c.407-1064A>C (NM_001408500.1, NM_001407921.1, NM_001408497.1 and 15 more transcripts); c.594-2A>C (NM_001407973.1, NM_001407596.1, NM_001407622.1 and 58 more transcripts); c.-218-1064A>C (NM_001407966.1, NM_001407967.1); and 18 more.
Identifiers: ClinVar variation 37686 (VCV000037686.38), dbSNP rs80358033, ClinGen allele CA003754.

ClinVar aggregate classification (germline): Benign. Review status: reviewed by expert panel (3 of 4 stars). 20 submissions from 20 submitters: Benign (1). 19 of the submissions do not count toward it. Last evaluated 2017-06-29.

Conditions:
Breast and/or ovarian cancer. Identifiers: MedGen CN221562.
Hereditary cancer-predisposing syndrome. Also called: Tumor predisposition; Neoplastic Syndromes, Hereditary; Hereditary Cancer Syndrome; Hereditary neoplastic syndrome. Identifiers: Orphanet 140162, MedGen C0027672, MeSH D009386, MONDO:0015356.
Breast-ovarian cancer, familial, susceptibility to, 1 (BROVCA1). Also called: OVARIAN CANCER, SUSCEPTIBILITY TO; BRCA1 Hereditary Breast and Ovarian Cancer. Identifiers: Orphanet 145, MedGen C2676676, MONDO:0011450, OMIM 604370. Disease mechanism: loss of function.
Hereditary breast ovarian cancer syndrome. Also called: Hereditary breast and ovarian cancer syndrome (HBOC); Hereditary breast and ovarian cancer syndrome; Hereditary breast and ovarian cancer; Hereditary breast and/or ovarian cancer syndrome; Breast and ovarian cancer; BRCA1- and BRCA2-Associated Hereditary Breast and Ovarian Cancer. Identifiers: Orphanet 145, MedGen C0677776, MeSH D061325, MONDO:0003582. Disease mechanism: loss of function.
Malignant tumor of breast. Also called: Malignant breast neoplasm; Cancer breast. Identifiers: MedGen C0006142, MONDO:0007254. Disease mechanism: loss of function.

Allele frequency attached by ClinVar (database versions not stated): TOPMed 0.00002; gnomAD 0.00003; ESP Exome Variant Server 0.00008.
gnomAD v4.1: 94 of 1,609,948 alleles (0.0058%); highest among the groups gnomAD compares: Non-Finnish European, 0.0079%; no homozygotes.

Submissions 1 to 7 of 20:

Evidence-based Network for the Interpretation of Germline Mutant Alleles (ENIGMA)
Classification: Benign for Breast-ovarian cancer, familial, susceptibility to, 1. Last evaluated: 2017-06-29. Review status: reviewed by expert panel. Criteria: ENIGMA BRCA1/2 Classification Criteria (2017-06-29). Collection method: curation. Allele origin: germline.
Comment: In our experience this variant always co-occurs in cis with c.641A>G. The haplotype of c.[594-2A>C; 641A>G] has been shown to be not pathogenic from comprehensive clinical studies (PMID:27008870). We recommend that if c.594-2A>C is detected in an individual, presence of c.641A>G should be verified. If co-occurrence is confirmed, the combination of the two variants is classified as not pathogenic/benign (see SCV000282252.1). If c.594-2A>G is detected alone, assume clinical significance uncertain in the absence of further evidence.

Women's Health and Genetics/Laboratory Corporation of America, LabCorp
Classification: Uncertain significance. Last evaluated: 2026-03-06. Review status: criteria provided, single submitter. Criteria: LabCorp Variant Classification Summary - May 2015. Collection method: clinical testing. Allele origin: germline. Not counted in ClinVar's aggregate classification.
Comment: Variant summary: BRCA1 c.594-2A>C is located in a canonical splice-site and is predicted to affect mRNA splicing resulting in a significantly altered protein due to either exon skipping, shortening, or inclusion of intronic material. Variants that disrupt the consensus splice site are a relatively common cause of aberrant splicing and loss of BRCA1 function. Several computational tools predict a significant impact on normal splicing: Five predict the variant abolishes a 3 acceptor site. One predict the variant strengthens a cryptic 3 acceptor site. Functional mini gene assays have shown that the variant predominantly produces an in-frame transcript that retains 21 nucleotides of intron 8 which was also detected at a low level in the control samples (delaHoya_2016). The c.594-2A>C variant has been reported in the literature (mostly in cis with c.641A>G) in multiple individuals affected with hereditary breast and ovarian Cancer (example: delaHoya_2016, Tesoriero_2005). This haplotype (c.[594-2A>C; 641A>G]) is classified as benign (Expert panel ENIGMA; delaHoya_2016). The variant allele was found at a frequency of 5.8e-05 in 1609948 control chromosomes (gnomAD). This frequency is not significantly higher than estimated for a pathogenic variant in BRCA1 causing hereditary breast and ovarian cancer syndrome (5.8e-05 vs 0.001), allowing no conclusion about variant significance. Co-occurrences with other pathogenic variants have been reported (BRCA1 exon13ins6kb; BRCA1 c.2681_2682delAA, p.Lys894Thrfs*8), for this variant, providing supporting evidence for a benign role. The following publications have been ascertained in the context of this evaluation (PMID: 22711857, 20104584, 24569164, 19892845, 21702907, 16912212, 22811390, 29254167, 25366421, 25639900, 10408690, 24667779, 16211554, 23239986, 26884819, 27008870). ClinVar contains an entry for this variant (Variation ID: 37686). Based on the evidence outlined above, the variant was classified as VUS-possibly benign.

Labcorp Genetics (formerly Invitae), Labcorp
Classification: Uncertain significance for Hereditary breast ovarian cancer syndrome. Last evaluated: 2026-01-27. Review status: criteria provided, single submitter. Criteria: Invitae Variant Classification Sherloc (09022015). Collection method: clinical testing. Allele origin: germline. Not counted in ClinVar's aggregate classification.
Comment: This sequence change affects an acceptor splice site in intron 8 of the BRCA1 gene. Loss-of-function variants in BRCA1 are expected to be pathogenic (PMID: 20104584). However, an in-frame BRCA1 isoform lacking exons 8 and 9 (also known as exons 9 and 10) is highly expressed in blood from unaffected individuals and in normal breast tissue; this isoform may retain protein function and could functionally rescue loss-of-function variants within exons 8-9 (PMID: 24569164). This variant is present in population databases (rs80358033, gnomAD 0.007%). Disruption of this splice site has been observed on the opposite chromosome (in trans) from a pathogenic variant in BRCA1 in at least one individual (PMID: 25639900; internal data), which suggests that this variant may not be disease-causing. This variant is generally observed on the same chromosome as a second BRCA1 variant, c.641A>G. Comprehensive clinical validation studies have shown that this BRCA1 haplotype c.[594-2A>C; 641A>G] is not disease causing (PMID: 27008870, 25639900). ClinVar contains an entry for this variant (Variation ID: 37686). Experimental studies have shown that this variant is associated with the activation of an in-frame cryptic acceptor splice site 21 nucleotides upstream of the natural splice site in intron 8 (i21d), exon 8 skipping, exon 9 skipping and exons 8-9 skipping (PMID: 27008870, 26913838, 24212087, internal data). These alternative splicing events are also observed in controls. In summary, the available evidence is currently insufficient to determine the role of this variant in disease. Therefore, it has been classified as a Variant of Uncertain Significance.

Institute for Biomarker Research, Medical Diagnostic Laboratories, L.L.C.
Classification: Uncertain significance for Hereditary breast ovarian cancer syndrome. Last evaluated: 2025-02-06. Review status: criteria provided, single submitter. Criteria: ACMG Guidelines, 2015. Collection method: clinical testing. Allele origin: germline. Not counted in ClinVar's aggregate classification.
Comment: The splice acceptor variant NM_007294.4(BRCA1):c.594-2A>C has been reported to ClinVar as Benign with a status of (3 stars) reviewed by expert panel (Variation ID 37686 as of 2025-01-02). This variant mutates a splice-acceptor sequence and is predicted to disrupt the reading frame, resulting in nonsense mediated decay. For these reasons, this variant has been classified as Uncertain Significance.

Ambry Genetics
Classification: Uncertain significance for Hereditary cancer-predisposing syndrome. Last evaluated: 2024-09-10. Review status: criteria provided, single submitter. Criteria: Ambry Variant Classification Scheme 2023. Collection method: clinical testing. Allele origin: germline. Not counted in ClinVar's aggregate classification.
Comment: The c.594-2A>C intronic variant results from an A to C substitution two nucleotides upstream from coding exon 8 in the BRCA1 gene. This nucleotide position is highly conserved in available vertebrate species. In silico splice site analysis predicts that this alteration will weaken the native splice acceptor site. This alteration is frequently observed as a haplotype BRCA1 c.[594-2A>C; 641A>G] which is classified as benign (de la Hoya M et al Hum Mol Genet. 2016; Mar). The same study evaluated the splice effect of the haplotype and of each alteration independently in a minigene assay. The independent BRCA1 c.594-2A>G variant produced an in-frame transcript that retains 21 nucleotides of intron 7, r.594-21_594-1ins which was also detected at a low level in the control samples (de la Hoya M et al Hum Mol Genet. 2016; Mar). This isoform is also known as &Delta;10p in the literature. Alterations that disrupt the canonical splice site are expected to cause aberrant splicing, resulting in an abnormal protein or a transcript that is subject to nonsense-mediated mRNA decay. However, as this alteration results in an in-frame insertion that is also present in controls, and since supporting evidence is limited at this time, the clinical significance of this alteration remains unclear.

Quest Diagnostics Nichols Institute San Juan Capistrano
Classification: Likely benign. Last evaluated: 2023-06-20. Review status: criteria provided, single submitter. Criteria: Quest Diagnostics criteria. Collection method: clinical testing. Allele origin: unknown. Not counted in ClinVar's aggregate classification.

ARUP Laboratories, Molecular Genetics and Genomics, ARUP Laboratories
Classification: Uncertain significance. Last evaluated: 2023-05-11. Review status: criteria provided, single submitter. Criteria: ARUP Molecular Germline Variant Investigation Process 2024. Collection method: clinical testing. Allele origin: germline. Not counted in ClinVar's aggregate classification.